The following is an entry in ClinVar:

ClinVar aggregate classification (germline): Pathogenic. Review status: criteria provided, single submitter (1 of 4 stars). 2 submissions from 2 submitters: Pathogenic (1). 1 of the submissions does not count toward it. Last evaluated 2026-01-24.

Conditions:
Malignant tumor of breast. Also called: Malignant breast neoplasm; Cancer breast. Identifiers: MedGen C0006142, MONDO:0007254. Disease mechanism: loss of function.
Hereditary breast ovarian cancer syndrome. Also called: Hereditary breast and ovarian cancer syndrome; Hereditary breast and/or ovarian cancer syndrome; Hereditary breast and ovarian cancer syndrome (HBOC); Breast and ovarian cancer; Hereditary breast and ovarian cancer; BRCA1- and BRCA2-Associated Hereditary Breast and Ovarian Cancer. Identifiers: Orphanet 145, MedGen C0677776, MeSH D061325, MONDO:0003582. Disease mechanism: loss of function.

Submissions (2):

Labcorp Genetics (formerly Invitae), Labcorp
Classification: Pathogenic for Hereditary breast ovarian cancer syndrome. Last evaluated: 2026-01-24. Review status: criteria provided, single submitter. Criteria: Invitae Variant Classification Sherloc (09022015). Collection method: clinical testing. Allele origin: germline.
Comment: This sequence change creates a premature translational stop signal (p.Leu1072Phefs*4) in the BRCA2 gene. It is expected to result in an absent or disrupted protein product. Loss-of-function variants in BRCA2 are known to be pathogenic (PMID: 20104584). This variant is not present in population databases (gnomAD no frequency). This variant has not been reported in the literature in individuals affected with BRCA2-related conditions. ClinVar contains an entry for this variant (Variation ID: 864144). For these reasons, this variant has been classified as Pathogenic.

Department of Pathology and Laboratory Medicine, Sinai Health System
Classification: Pathogenic for Malignant tumor of breast. Review status: no assertion criteria provided. Collection method: clinical testing. Allele origin: unknown. Affected: yes. Study: The Canadian Open Genetics Repository (COGR). Not counted in ClinVar's aggregate classification.
Comment: The BRCA2 p.Leu1072Phefs*4 variant was not identified in the literature nor was it identified in the dbSNP, ClinVar, LOVD 3.0, UMD-LSDB, Exome Aggregation Consortium (August 8th 2016) or Genome Aggregation Database (Feb 27, 2017). The c.3215dup variant is predicted to cause a frameshift, which alters the protein's amino acid sequence beginning at codon 1072 and leads to a premature stop codon at position 1075. This alteration is then predicted to result in a truncated or absent protein and loss of function. Loss of function variants of the BRCA2 gene are an established mechanism of disease in hereditary breast and ovarian cancer syndrome and is the type of variant expected to cause the disorder. In summary, based on the above information, this variant meets our laboratoryâ€šÃ„Ã´s criteria to be classified as pathogenic.

Literature cited by the submitters: PubMed 20104584 (cited by Labcorp Genetics (formerly Invitae), Labcorp).

NM_000059.4(BRCA2):c.3215dup (p.Leu1072fs)

Gene: BRCA2 (BRCA2 DNA repair associated; plus strand). Cytogenetic location: 13q13.1.
Variant type: Duplication.
Coding change: c.3215dup on transcript NM_000059.4 (MANE Select); coding-DNA position 3215, one base duplicated (T; older notation c.3215dupT).
Protein change: p.Leu1072fs; shifts the reading frame from leucine 1072.
Molecular consequence: frameshift variant.
Genome position (GRCh38, 1-based): chr13:32,337,570, T duplicated; the last of 3 consecutive T bases (chr13:32,337,568-32,337,570); duplicating any one gives the same sequence. VCF-style (leftmost placement, unchanged base first): chr13-32337567-A-AT. GRCh37 (hg19) VCF-style: chr13-32911704-A-AT.
Other names: short protein forms L1072fs.
Identifiers: ClinVar variation 864144 (VCV000864144.10), dbSNP rs2072475243, ClinGen allele CA916080214.